The following is an entry in ClinVar:

NM_000404.4(GLB1):c.1480-2A>G

Gene: GLB1 (galactosidase beta 1; minus strand). Cytogenetic location: 3p22.3.
Variant type: single nucleotide variant.
Coding change: c.1480-2A>G on transcript NM_000404.4 (MANE Select); the canonical splice acceptor site of the intron before coding-DNA position 1480, A replaced by G.
Molecular consequence: splice acceptor variant.
Genome position (GRCh38, 1-based): chr3:33,014,312, T>C on the plus strand (A>G on the coding strand, the complement: GLB1 is on the minus strand). VCF-style: chr3-33014312-T-C. GRCh37 (hg19) VCF-style: chr3-33055804-T-C.
Other names: IVS14AS, A-G, -2; c.1480-2A>G (NM_001393580.1); c.1087-2A>G (NM_001135602.3); c.1624-2A>G (NM_001317040.2); c.1390-2A>G (NM_001079811.3).
Identifiers: ClinVar variation 946 (VCV000000946.18), dbSNP rs587776526, ClinGen allele CA114668.
Genomic context (GRCh38, chr3:33,014,312, plus strand): 5'-GGAAAGATCGTCCAGTCCGTGAGGATATTGGAACTGAGAGTCAGGTTAGAAACCAAACCC[T>C]GCAAAGCAGAAACAGAGCACAGTGAGCTGGGGAGGGAAGGAAAAAGGCTTCACATGTCTC-3'

ClinVar aggregate classification (germline): Pathogenic. Review status: criteria provided, multiple submitters, no conflicts (2 of 4 stars). 9 submissions from 9 submitters: Pathogenic (8). 1 of the submissions does not count toward it. Last evaluated 2026-03-31.

Conditions:
Inborn genetic diseases. Identifiers: MedGen C0950123, MeSH D030342.
GM1 gangliosidosis. Identifiers: Orphanet 354, MedGen C0085131, MONDO:0018149.
Mucopolysaccharidosis, MPS-IV-B (MPS4B). Also called: MPS IVB; Mucopolysaccharidosis type IV B; Mucopolysaccharidosis Type IVB (Morquio B Disease); MORQUIO SYNDROME B; Mucopolysaccharidosis Type IVB; Mucopolysaccharidosis type 4B. Identifiers: Orphanet 309310, Orphanet 582, MedGen C0086652, MONDO:0009660, OMIM 253010.
GM1 gangliosidosis type 2. Also called: GANGLIOSIDOSIS, GENERALIZED GM1, JUVENILE TYPE; GANGLIOSIDOSIS, GENERALIZED GM1, TYPE II; Gangliosidosis, Generalized GM1, Type 2; Juvenile GM>1< gangliosidosis; GM1-GANGLIOSIDOSIS, TYPE II. Identifiers: Orphanet 354, Orphanet 79256, MedGen C0268272, MONDO:0009261, OMIM 230600.
Infantile GM1 gangliosidosis. Also called: GM1-gangliosidosis, type I; Gangliosidosis, generalized GM1, infantile form; GLB1 deficiency; Gangliosidosis, Generalized GM1, Type 1; GM1 gangliosidosis type 1. Identifiers: Orphanet 354, Orphanet 79255, MedGen C0268271, MONDO:0009260, OMIM 230500.
GM1 gangliosidosis type 3. Also called: GANGLIOSIDOSIS, GENERALIZED GM1, ADULT TYPE; GANGLIOSIDOSIS, GENERALIZED GM1, CHRONIC TYPE; GANGLIOSIDOSIS, GENERALIZED GM1, TYPE III; Gangliosidosis, Generalized GM1, Type 3; GM1-GANGLIOSIDOSIS, TYPE III; Beta-galactosidase deficiency. Identifiers: Orphanet 79257, MedGen C0268273, MONDO:0009262, OMIM 230650.
GM1-gangliosidosis, type I, with cardiac involvement. Also called: GANGLIOSIDOSIS, GENERALIZED GM1, TYPE I, WITH CARDIAC INVOLVEMENT. Identifiers: MedGen C1968748.

Allele frequency attached by ClinVar (database versions not stated): gnomAD exomes 0.00001; TOPMed below 0.00001; ExAC 0.00001; gnomAD 0.00001.
gnomAD v4.1: 10 of 1,613,380 alleles (0.00062%); highest among the groups gnomAD compares: Non-Finnish European, 0.00085%; no homozygotes.

Submissions (10):

Ambry Genetics
Classification: Pathogenic for Inborn genetic diseases. Last evaluated: 2026-03-31. Review status: criteria provided, single submitter. Criteria: Ambry Variant Classification Scheme 2023. Collection method: clinical testing. Allele origin: germline.
Comment: The c.1480-2A>G intronic variant consists of a A to G substitution two nucleotides before exon 14 (coding exon 14) of the GLB1 gene. Variants that disrupt the canonical splice site are expected to result in aberrant splicing. A resulting transcript is predicted to be in-frame and is not expected to trigger nonsense-mediated mRNAdecay, although direct evidence is unavailable. However, a significant portion of the protein is affected (Ambry internal data). Based on data from gnomAD, the G allele has an overall frequency of 0.001% (3/245574) total alleles studied. The highest observed frequency was 0.003% (3/109984) of European (non-Finnish) alleles. This variant has been identified in the homozygous state and/or in conjunction with other GLB1 variant(s) in individual(s) with features consistent with GLB1-related disorders (Santamaria, 2006; Caciotti, 2011; Zanetti, 2019; Utz, 2015; Morrone, 2000). This nucleotide position is highly conserved in available vertebrate species. In silico splice site analysis predicts that this alteration will weaken the native splice acceptor site and will result in the creation or strengthening of a novel splice acceptor site; however, direct evidence is insufficient at this time (Morrone, 2000). In silico splice site analysis predicts that this alteration will weaken the native splice acceptor site and will result in the creation or strengthening of a novel splice acceptor site. Based on the available evidence, this alteration is classified as pathogenic.

Natera, Inc.
Classification: Pathogenic for Mucopolysaccharidosis, MPS-IV-B. Last evaluated: 2024-09-27. Review status: criteria provided, single submitter. Criteria: Natera Variant Classification Schema (03/2026). Collection method: clinical testing. Allele origin: germline.
Comment: The c.1480-2A>G variant in GLB1 is a canonical splice acceptor site variant predicted to affect pre-mRNA splicing, which may result in an abnormal transcript and altered protein product. This variant may result in a truncated or dysfunctional protein product. This variant is rare in the general population with a frequency below the threshold expected for the associated phenotype(s). This variant has been observed in one or more individuals affected with the associated recessive disease, as either homozygous or compound heterozygous with a second variant (PMID: 10737981, 16941474). Functional studies show that this variant may disrupt protein function (PMID: 10737981). Given the available evidence, this variant is classified as Pathogenic.

Fulgent Genetics
Classification: Pathogenic for Infantile GM1 gangliosidosis; GM1 gangliosidosis type 2; GM1 gangliosidosis type 3; Mucopolysaccharidosis, MPS-IV-B. Last evaluated: 2024-04-17. Review status: criteria provided, single submitter. Criteria: ACMG Guidelines, 2015. Collection method: clinical testing. Allele origin: germline.

Labcorp Genetics (formerly Invitae), Labcorp
Classification: Pathogenic for Mucopolysaccharidosis, MPS-IV-B; GM1 gangliosidosis. Last evaluated: 2024-01-25. Review status: criteria provided, single submitter. Criteria: Invitae Variant Classification Sherloc (09022015). Collection method: clinical testing. Allele origin: germline.
Comment: This sequence change affects an acceptor splice site in intron 14 of the GLB1 gene. RNA analysis indicates that disruption of this splice site induces altered splicing and may result in an absent or disrupted protein product. This variant is present in population databases (rs587776526, gnomAD 0.003%). Disruption of this splice site has been observed in individual(s) with GLB1-related conditions (PMID: 10737981, 21497194, 25557439). ClinVar contains an entry for this variant (Variation ID: 946). Studies have shown that disruption of this splice site results in activation of a cryptic splice site and introduces a premature termination codon (PMID: 10737981). The resulting mRNA is expected to undergo nonsense-mediated decay. For these reasons, this variant has been classified as Pathogenic.

GeneDx
Classification: Pathogenic. Last evaluated: 2021-08-26. Review status: criteria provided, single submitter. Criteria: GeneDx Variant Classification Process June 2021. Collection method: clinical testing. Allele origin: germline. Affected: yes.
Comment: Canonical splice site variant predicted to result in a null allele in a gene for which loss-of-function is a known mechanism of disease; Not observed at significant frequency in large population cohorts (gnomAD); This variant is associated with the following publications: (PMID: 10737981, 16941474, 30809705, 25557439, 21497194, 25525159)

Victorian Clinical Genetics Services, Murdoch Childrens Research Institute
Classification: Pathogenic for Infantile GM1 gangliosidosis. Last evaluated: 2020-10-19. Review status: criteria provided, single submitter. Criteria: ACMG Guidelines, 2015. Collection method: clinical testing. Allele origin: germline. Inheritance: Autosomal recessive inheritance.
Comment: Based on the classification scheme VCGS_Germline_v1.3.3, this variant is classified as Pathogenic. Following criteria are met: 0102 - Loss of function is a known mechanism of disease in this gene and is associated with type I GM1-gangliosidosis (MIM#230500). (I) 0106 - This gene is associated with autosomal recessive disease. (I) 0201 - Variant is predicted to cause nonsense-mediated decay (NMD) and loss of protein (premature termination codon is located at least 54 nucleotides upstream of the final exon-exon junction). (SP) 0210 - Splice site variant proven to affect splicing of the transcript with a known effect on protein sequence. Sequencing of cDNA obtained from patient’s RNA revealed the intronic retention of 28bp, leading to a frameshift and premature termination codon (PMID: 10737981). (I) 0251 - This variant is heterozygous. (I) 0304 - Variant is present in gnomAD (v2) <0.01 for a recessive condition (3 heterozygotes, 0 homozygotes). (SP) 0801 - This variant has strong previous evidence of pathogenicity in unrelated individuals. The variant has been reported as pathogenic in at least five patients, in a homozygous or compound heterozygous state, with either GM1-gangliosidosis, type I (MIM#230500) or mucopolysaccharidosis type IVB (Morquio) (MIM#253010) (ClinVar, HGMD, PMIDs: 10737981, 16941474, 21497194, 30809705). (SP) 1001 - This variant has strong functional evidence supporting abnormal protein function. The enzymatic activity of beta-galactosidase was reduced to 1% of controls in patient cells (PMID: 10737981). (SP) 1201 - Heterozygous variant detected in trans with a second pathogenic heterozygous variant (NM_000404.3:c.1445G>A; p.(Arg482His)) in a recessive disease. (I) Legend: (SP) - Supporting pathogenic, (I) - Information, (SB) - Supporting benign

Women's Health and Genetics/Laboratory Corporation of America, LabCorp
Classification: Pathogenic for GM1 gangliosidosis. Last evaluated: 2020-07-20. Review status: criteria provided, single submitter. Criteria: LabCorp Variant Classification Summary - May 2015. Collection method: clinical testing. Allele origin: germline.
Comment: Variant summary: GLB1 c.1480-2A>G is located in a canonical splice-site and is predicted to affect mRNA splicing resulting in a significantly altered protein due to either exon skipping, shortening, or inclusion of intronic material. Several computational tools predict a significant impact on normal splicing: One predict the variant abolishes a 5 splicing donor site. Four predict the variant abolishes a 3 acceptor site. In agreement with this, at least one publication reports experimental evidence that this variant affects mRNA splicing (Morrone_2000). The variant allele was found at a frequency of 1.2e-05 in 245574 control chromosomes (gnomAD). c.1480-2A>G has been reported in the literature in multiple individuals (both homozygous and compound heterozygous) affected with GM1 Gangliosidosis (Morrone_2000, Santamaria_2006, Utz_2015, Caciotti_2011) and in at least one individual (compound heterozygous) with MorquioB (Caciotti_2011). Most of the GM1 Gangliosidosis patients were of infantile phenotype. These data indicate that the variant is very likely to be associated with disease. Enzymatic activity from patient derived (who were homozygous for this variant) fibroblasts and leukocytes were found to have very low activity (Morrone_2000, Santamaria_2006). Two ClinVar submitters (evaluation after 2014) cite the variant as pathogenic. Based on the evidence outlined above, the variant was classified as pathogenic.

Laboratory of Diagnosis and Therapy of Lysosomal Disorders, University of Padova
Classification: Pathogenic for Mucopolysaccharidosis, MPS-IV-B. Last evaluated: 2019-01-01. Review status: criteria provided, single submitter. Criteria: ACMG Guidelines, 2015. Collection method: literature only. Allele origin: germline. Affected: yes.
Comment: PVS1: splicing site (-2). PS3: Low in vivo enzymatic activity in homozygote. PM2: Very low frequency in ExAC

OMIM
Classification: Pathogenic for GM1-GANGLIOSIDOSIS, TYPE I, WITH CARDIAC INVOLVEMENT. Last evaluated: 2000-01-01. Review status: no assertion criteria provided. Collection method: literature only. Allele origin: germline. Not counted in ClinVar's aggregate classification.

Dr. Peter K. Rogan Lab, Western University
No classification provided (evidence only). Condition: Uveal melanoma. Review status: no classification provided. Collection method: in vitro. Allele origin: not applicable. Functional consequence: retained intron. Not counted in ClinVar's aggregate classification.

Literature cited by the submitters: PubMed 10737981 (cited by 7 submitters); PubMed 16941474 (cited by 4 submitters); PubMed 21497194 (cited by 4 submitters); PubMed 25557439 (cited by 3 submitters); PubMed 30809705 (cited by 3 submitters).